The following is an entry in ClinVar:

ClinVar aggregate classification (germline): Likely benign. Review status: criteria provided, multiple submitters, no conflicts (2 of 4 stars). 2 submissions from 2 submitters: Likely benign (2). Last evaluated 2026-01-19.

Conditions:
Wilson disease (WND). Also called: Wilson's disease. Identifiers: Orphanet 905, MedGen C0019202, MONDO:0010200, OMIM 277900. Disease mechanism: loss of function.

Allele frequency attached by ClinVar (database versions not stated): gnomAD exomes below 0.00001 and 0.00001; gnomAD 0.00001 and 0.00002; TOPMed 0.00001; ExAC 0.00002; 1000 Genomes Project 0.00020; 1000 Genomes Project 30x 0.00031.
gnomAD v4.1: 4 of 1,614,072 alleles (0.00025%); highest among the groups gnomAD compares: East Asian, 0.0089%; no homozygotes.

Submissions (2):

Labcorp Genetics (formerly Invitae), Labcorp
Classification: Likely benign for Wilson disease. Last evaluated: 2026-01-19. Review status: criteria provided, single submitter. Criteria: Invitae Variant Classification Sherloc (09022015). Collection method: clinical testing. Allele origin: germline.

All of Us Research Program, National Institutes of Health
Classification: Likely benign for Wilson disease. Last evaluated: 2024-02-05. Review status: criteria provided, single submitter. Criteria: ACMG Guidelines, 2015. Collection method: clinical testing. Allele origin: germline. Inheritance: Autosomal recessive inheritance. Observed: 1 variant allele, 1 heterozygote.
Comment: This study involves interpretation of variants in research participants for the purpose of population health screening. Participant phenotype was not available at the time of variant classification. Additional details can be found in publication PMID: 35346344, PMCID: PMC8962531

NM_000053.4(ATP7B):c.747G>A (p.Leu249=)

Gene: ATP7B (ATPase copper transporting beta; minus strand). Cytogenetic location: 13q14.3.
Variant type: single nucleotide variant.
Coding change: c.747G>A on transcript NM_000053.4 (MANE Select); coding-DNA position 747, G replaced by A.
Protein change: p.Leu249=; no amino-acid change (leucine 249 retained).
Molecular consequence: synonymous variant.
Genome position (GRCh38, 1-based): chr13:51,974,473, C>T on the plus strand (G>A on the coding strand, the complement: ATP7B is on the minus strand). VCF-style: chr13-51974473-C-T. GRCh37 (hg19) VCF-style: chr13-52548609-C-T.
Other names: c.747G>A, p.Leu249= (NM_001005918.3, NM_001243182.2, NM_001330578.2 and 1 more transcripts).
Identifiers: ClinVar variation 799171 (VCV000799171.12), dbSNP rs554554415, ClinGen allele CA6989504.